The following is an entry in ClinVar:

NM_004706.4(ARHGEF1):c.615-3C>T

Gene: ARHGEF1 (Rho guanine nucleotide exchange factor 1; plus strand). Cytogenetic location: 19q13.2.
Variant type: single nucleotide variant.
Coding change: c.615-3C>T on transcript NM_004706.4 (MANE Select); 3 bases into the intron before coding-DNA position 615, C replaced by T.
Molecular consequence: intron variant.
Genome position (GRCh38, 1-based): chr19:41,893,271, C>T. VCF-style: chr19-41893271-C-T. GRCh37 (hg19) VCF-style: chr19-42397342-C-T.
Other names: c.615-3C>T (NM_001396003.1, NM_001396000.1, NM_001396006.1); c.516-3C>T (NM_001396002.1, NM_198977.2, NM_001396004.1); c.660-3C>T (NM_199002.2).
Identifiers: ClinVar variation 2971407 (VCV002971407.3), dbSNP rs2513793829, ClinGen allele CA913018438.

ClinVar aggregate classification (germline): Uncertain significance (1 of 4 stars; one submission).

Allele frequency attached by ClinVar (database versions not stated): gnomAD exomes 0.00001.
gnomAD v4.1: 16 of 1,611,948 alleles (0.00099%); highest among the groups gnomAD compares: Non-Finnish European, 0.0013%; no homozygotes.

Submission:

Labcorp Genetics (formerly Invitae), Labcorp
Classification: Uncertain significance. Last evaluated: 2023-11-13. Review status: criteria provided, single submitter. Criteria: Invitae Variant Classification Sherloc (09022015). Collection method: clinical testing. Allele origin: germline.
Comment: This sequence change falls in intron 7 of the ARHGEF1 gene. It does not directly change the encoded amino acid sequence of the ARHGEF1 protein. It affects a nucleotide within the consensus splice site. This variant is not present in population databases (gnomAD no frequency). This variant has not been reported in the literature in individuals affected with ARHGEF1-related conditions. Variants that disrupt the consensus splice site are a relatively common cause of aberrant splicing (PMID: 17576681, 9536098). Algorithms developed to predict the effect of sequence changes on RNA splicing suggest that this variant is not likely to affect RNA splicing. In summary, the available evidence is currently insufficient to determine the role of this variant in disease. Therefore, it has been classified as a Variant of Uncertain Significance.

Literature cited by the submitters: PubMed 17576681; PubMed 9536098.